The following is an entry in ClinVar:

ClinVar aggregate classification (germline): Uncertain significance (1 of 4 stars; one submission).

Submission:

Labcorp Genetics (formerly Invitae), Labcorp
Classification: Uncertain significance. Last evaluated: 2021-08-27. Review status: criteria provided, single submitter. Criteria: Invitae Variant Classification Sherloc (09022015). Collection method: clinical testing. Allele origin: germline.
Comment: This variant is not present in population databases (ExAC no frequency). This sequence change replaces histidine with arginine at codon 311 of the LPIN1 protein (p.His311Arg). The histidine residue is moderately conserved and there is a small physicochemical difference between histidine and arginine. In summary, the available evidence is currently insufficient to determine the role of this variant in disease. Therefore, it has been classified as a Variant of Uncertain Significance. Algorithms developed to predict the effect of missense changes on protein structure and function (SIFT, PolyPhen-2, Align-GVGD) all suggest that this variant is likely to be tolerated. This variant has not been reported in the literature in individuals affected with LPIN1-related conditions.

NM_001349206.2(LPIN1):c.1040A>G (p.His347Arg)

Gene: LPIN1 (lipin 1; plus strand). Cytogenetic location: 2p25.1.
Variant type: single nucleotide variant.
Coding change: c.1040A>G on transcript NM_001349206.2 (MANE Select); coding-DNA position 1040, A replaced by G.
Protein change: p.His347Arg; replaces histidine 347 with arginine.
Molecular consequence: missense variant. On other transcripts: non-coding transcript variant (1).
Genome position (GRCh38, 1-based): chr2:11,782,283, A>G. VCF-style: chr2-11782283-A-G. GRCh37 (hg19) VCF-style: chr2-11922409-A-G.
Other names: c.950A>G, p.His317Arg (NM_001261427.3); c.1187A>G, p.His396Arg (NM_001261428.3); c.932A>G, p.His311Arg (NM_001349199.2, NM_001349200.2, NM_001349201.2 and 1 more transcripts); c.1037A>G, p.His346Arg (NM_001349202.2, NM_001349203.2); c.1040A>G, p.His347Arg (NM_001349204.2, NM_001349205.2); c.1130A>G, p.His377Arg (NM_001349207.2); c.1079A>G, p.His360Arg (NM_001349208.2); short protein forms H346R, H311R, H377R, H347R, H360R, H396R, H317R.
Identifiers: ClinVar variation 1515693 (VCV001515693.6), dbSNP rs756090516, ClinGen allele CA345856326.